The following is an entry in ClinVar:

ClinVar aggregate classification (germline): Uncertain significance. Review status: criteria provided, multiple submitters, no conflicts (2 of 4 stars). 2 submissions from 2 submitters: Uncertain significance (2). Last evaluated 2025-08-05.

Conditions:
Cardiovascular phenotype. Identifiers: MedGen CN230736.
Alstrom syndrome (ALMS). Identifiers: Orphanet 64, MedGen C0268425, MONDO:0008763, OMIM 203800.

Allele frequency attached by ClinVar (database versions not stated): gnomAD exomes below 0.00001.
gnomAD v4.1: 2 of 1,613,868 alleles (0.00012%); highest among the groups gnomAD compares: African/African-American, 0.0013%; no homozygotes.

Submissions (2):

Labcorp Genetics (formerly Invitae), Labcorp
Classification: Uncertain significance for Alstrom syndrome. Last evaluated: 2025-08-05. Review status: criteria provided, single submitter. Criteria: Invitae Variant Classification Sherloc (09022015). Collection method: clinical testing. Allele origin: germline.
Comment: This sequence change replaces lysine, which is basic and polar, with arginine, which is basic and polar, at codon 3522 of the ALMS1 protein (p.Lys3522Arg). This variant is not present in population databases (gnomAD no frequency). This variant has not been reported in the literature in individuals affected with ALMS1-related conditions. ClinVar contains an entry for this variant (Variation ID: 2176009). Experimental studies and prediction algorithms are not available or were not evaluated, and the functional significance of this variant is currently unknown. In summary, the available evidence is currently insufficient to determine the role of this variant in disease. Therefore, it has been classified as a Variant of Uncertain Significance.

Ambry Genetics
Classification: Uncertain significance for Cardiovascular phenotype. Last evaluated: 2021-07-28. Review status: criteria provided, single submitter. Criteria: Ambry Variant Classification Scheme 2023. Collection method: clinical testing. Allele origin: germline.

NM_001378454.1(ALMS1):c.10562A>G (p.Lys3521Arg)

Gene: ALMS1 (ALMS1 centrosome and basal body associated protein; plus strand). Cytogenetic location: 2p13.1.
Variant type: single nucleotide variant.
Coding change: c.10562A>G on transcript NM_001378454.1 (MANE Select); coding-DNA position 10562, A replaced by G.
Protein change: p.Lys3521Arg; replaces lysine 3521 with arginine.
Molecular consequence: missense variant.
Genome position (GRCh38, 1-based): chr2:73,572,439, A>G. VCF-style: chr2-73572439-A-G. GRCh37 (hg19) VCF-style: chr2-73799566-A-G.
Other names: c.10565A>G, p.Lys3522Arg (NM_015120.4); short protein forms K3522R, K3521R.
Identifiers: ClinVar variation 2176009 (VCV002176009.5), dbSNP rs1674952198, ClinGen allele CA347283693.